The following is an entry in ClinVar:

NM_000122.2(ERCC3):c.2248A>C (p.Met750Leu)

Gene: ERCC3 (ERCC excision repair 3, TFIIH core complex helicase subunit; minus strand). Cytogenetic location: 2q14.3.
Variant type: single nucleotide variant.
Coding change: c.2248A>C on transcript NM_000122.2 (MANE Select); coding-DNA position 2248, A replaced by C.
Protein change: p.Met750Leu; replaces methionine 750 with leucine.
Molecular consequence: missense variant.
Genome position (GRCh38, 1-based): chr2:127,257,697, T>G on the plus strand (A>C on the coding strand, the complement: ERCC3 is on the minus strand). VCF-style: chr2-127257697-T-G. GRCh37 (hg19) VCF-style: chr2-128015273-T-G.
Other names: c.2056A>C, p.Met686Leu (NM_001303416.2, NM_001303418.2); short protein forms M686L, M750L.
Identifiers: ClinVar variation 1189980 (VCV001189980.5), dbSNP rs369468852, ClinGen allele CA1858025.
Genomic context (GRCh38, chr2:127,257,697, plus strand): 5'-TGGGCGCCTTGCTCCGCGATGAGTGGTACTCCATGTACACAGTGTCGTCGGCCCCAGACA[T>G]AGAACTCATGGTGCCAAAGCGCCGAGATGCCTGCCGGGAAGGGGGAACCAGCCCATGTTA-3'
Protein context (NP_000113.1, residues 740-760): ASRRFGTMSS[Met750Leu]SGADDTVYME

ClinVar aggregate classification (germline): Uncertain significance. Review status: criteria provided, multiple submitters, no conflicts (2 of 4 stars). 3 submissions from 3 submitters: Uncertain significance (3). Last evaluated 2022-10-24.

Conditions:
Inborn genetic diseases. Identifiers: MedGen C0950123, MeSH D030342.

gnomAD v4.1: 37 of 1,614,134 alleles (0.0023%); highest among the groups gnomAD compares: Middle Eastern, 0.05%; no homozygotes.

Submissions (3):

Labcorp Genetics (formerly Invitae), Labcorp
Classification: Uncertain significance. Last evaluated: 2022-10-24. Review status: criteria provided, single submitter. Criteria: Invitae Variant Classification Sherloc (09022015). Collection method: clinical testing. Allele origin: germline.
Comment: This sequence change replaces methionine, which is neutral and non-polar, with leucine, which is neutral and non-polar, at codon 750 of the ERCC3 protein (p.Met750Leu). This variant is present in population databases (rs369468852, gnomAD 0.004%). This variant has not been reported in the literature in individuals affected with ERCC3-related conditions. ClinVar contains an entry for this variant (Variation ID: 1189980). Advanced modeling of protein sequence and biophysical properties (such as structural, functional, and spatial information, amino acid conservation, physicochemical variation, residue mobility, and thermodynamic stability) performed at Invitae indicates that this missense variant is not expected to disrupt ERCC3 protein function. In summary, the available evidence is currently insufficient to determine the role of this variant in disease. Therefore, it has been classified as a Variant of Uncertain Significance.

Ambry Genetics
Classification: Uncertain significance for Inborn genetic diseases. Last evaluated: 2021-07-13. Review status: criteria provided, single submitter. Criteria: Ambry Variant Classification Scheme 2023. Collection method: clinical testing. Allele origin: germline.

GeneDx
Classification: Uncertain significance. Last evaluated: 2019-11-12. Review status: criteria provided, single submitter. Criteria: GeneDx Variant Classification Process June 2021. Collection method: clinical testing. Allele origin: germline. Affected: yes.
Comment: In silico analysis, which includes protein predictors and evolutionary conservation, supports that this variant does not alter protein structure/function